The following is an entry in ClinVar:

NM_006218.4(PIK3CA):c.2785C>T (p.Leu929=)

Gene: PIK3CA (phosphatidylinositol-4,5-bisphosphate 3-kinase catalytic subunit alpha; plus strand). Cytogenetic location: 3q26.32.
Variant type: single nucleotide variant.
Coding change: c.2785C>T on transcript NM_006218.4 (MANE Select); coding-DNA position 2785, C replaced by T.
Protein change: p.Leu929=; no amino-acid change (leucine 929 retained).
Molecular consequence: synonymous variant.
Genome position (GRCh38, 1-based): chr3:179,230,225, C>T. VCF-style: chr3-179230225-C-T. GRCh37 (hg19) VCF-style: chr3-178948013-C-T.
Identifiers: ClinVar variation 2731737 (VCV002731737.3), dbSNP rs2108424747, ClinGen allele CA437038198.

ClinVar aggregate classification (germline): Uncertain significance (1 of 4 stars; one submission).

Conditions:
Cowden syndrome (CS). Also called: Cowden's disease; Cowden's syndrome; Cowden disease. Identifiers: Orphanet 201, MedGen C0018553, MONDO:0016063. Disease mechanism: gain of function.

Submission:

Labcorp Genetics (formerly Invitae), Labcorp
Classification: Uncertain significance for Cowden syndrome. Last evaluated: 2023-03-19. Review status: criteria provided, single submitter. Criteria: Invitae Variant Classification Sherloc (09022015). Collection method: clinical testing. Allele origin: germline.
Comment: In summary, the available evidence is currently insufficient to determine the role of this variant in disease. Therefore, it has been classified as a Variant of Uncertain Significance. This sequence change affects codon 929 of the PIK3CA mRNA. It is a 'silent' change, meaning that it does not change the encoded amino acid sequence of the PIK3CA protein. It affects a nucleotide within the consensus splice site. This variant is not present in population databases (gnomAD no frequency). This variant has not been reported in the literature in individuals affected with PIK3CA-related conditions. Algorithms developed to predict the effect of sequence changes on RNA splicing suggest that this variant is not likely to affect RNA splicing.